The following is an entry in ClinVar:

NM_206933.4(USH2A):c.13870T>G (p.Phe4624Val)

Gene: USH2A (usherin; minus strand). Cytogenetic location: 1q41.
Variant type: single nucleotide variant.
Coding change: c.13870T>G on transcript NM_206933.4 (MANE Select); coding-DNA position 13870, T replaced by G.
Protein change: p.Phe4624Val; replaces phenylalanine 4624 with valine.
Molecular consequence: missense variant.
Genome position (GRCh38, 1-based): chr1:215,671,235, A>C on the plus strand (T>G on the coding strand, the complement: USH2A is on the minus strand). VCF-style: chr1-215671235-A-C. GRCh37 (hg19) VCF-style: chr1-215844577-A-C.
Other names: short protein forms F4624V.
Identifiers: ClinVar variation 1042736 (VCV001042736.7), dbSNP rs1369860869, ClinGen allele CA344841709.

ClinVar aggregate classification (germline): Uncertain significance. Review status: criteria provided, single submitter (1 of 4 stars). 2 submissions from 2 submitters: Uncertain significance (1). 1 of the submissions does not count toward it. Last evaluated 2022-07-19.

Conditions:
Usher syndrome type 2A. Also called: USHER SYNDROME, TYPE IIA; RETINAL DISEASE IN USHER SYNDROME TYPE IIA, MODIFIER OF. Identifiers: Orphanet 231178, Orphanet 886, MedGen C1848634, MONDO:0010169, OMIM 276901.

Allele frequency attached by ClinVar (database versions not stated): TOPMed below 0.00001; gnomAD 0.00001; gnomAD exomes 0.00002.
gnomAD v4.1: 30 of 1,614,020 alleles (0.0019%); highest among the groups gnomAD compares: Non-Finnish European, 0.0025%; no homozygotes.

Submissions (2):

Labcorp Genetics (formerly Invitae), Labcorp
Classification: Uncertain significance. Last evaluated: 2022-07-19. Review status: criteria provided, single submitter. Criteria: Invitae Variant Classification Sherloc (09022015). Collection method: clinical testing. Allele origin: germline.
Comment: This sequence change replaces phenylalanine, which is neutral and non-polar, with valine, which is neutral and non-polar, at codon 4624 of the USH2A protein (p.Phe4624Val). This variant is present in population databases (no rsID available, gnomAD 0.007%). This missense change has been observed in individual(s) with Usher syndrome type II (PMID: 18273898). ClinVar contains an entry for this variant (Variation ID: 1042736). Algorithms developed to predict the effect of missense changes on protein structure and function (SIFT, PolyPhen-2, Align-GVGD) all suggest that this variant is likely to be tolerated. In summary, the available evidence is currently insufficient to determine the role of this variant in disease. Therefore, it has been classified as a Variant of Uncertain Significance.

Natera, Inc.
Classification: Uncertain significance for Usher syndrome type 2A. Last evaluated: 2020-06-22. Review status: no assertion criteria provided. Collection method: clinical testing. Allele origin: germline. Not counted in ClinVar's aggregate classification.

Literature cited by the submitters: PubMed 18273898 (cited by Labcorp Genetics (formerly Invitae), Labcorp).